The following is an entry in ClinVar:

ClinVar aggregate classification (germline): Likely benign. Review status: criteria provided, single submitter (1 of 4 stars). 2 submissions from 2 submitters: Likely benign (1). 1 of the submissions does not count toward it. Last evaluated 2025-06-10.

Conditions:
PCK1-related disorder. Also called: PCK1-related condition.

Allele frequency attached by ClinVar (database versions not stated): TOPMed below 0.00001; gnomAD exomes 0.00002 and 0.00009; ExAC 0.00004.
gnomAD v4.1: 23 of 1,598,926 alleles (0.0014%); highest among the groups gnomAD compares: Admixed American, 0.038%; no homozygotes.

Submissions (2):

Labcorp Genetics (formerly Invitae), Labcorp
Classification: Likely benign. Last evaluated: 2025-06-10. Review status: criteria provided, single submitter. Criteria: Invitae Variant Classification Sherloc (09022015). Collection method: clinical testing. Allele origin: germline.

PreventionGenetics, part of Exact Sciences
Classification: Likely benign for PCK1-related condition. Last evaluated: 2019-09-27. Review status: no assertion criteria provided. Collection method: clinical testing. Allele origin: germline. Not counted in ClinVar's aggregate classification.
Comment: This variant is classified as likely benign based on ACMG/AMP sequence variant interpretation guidelines (Richards et al. 2015 PMID: 25741868, with internal and published modifications).

NM_002591.4(PCK1):c.610+7G>A

Gene: PCK1 (phosphoenolpyruvate carboxykinase 1; plus strand). Cytogenetic location: 20q13.31.
Variant type: single nucleotide variant.
Coding change: c.610+7G>A on transcript NM_002591.4 (MANE Select); 7 bases into the intron after coding-DNA position 610, G replaced by A.
Molecular consequence: intron variant.
Genome position (GRCh38, 1-based): chr20:57,562,906, G>A. VCF-style: chr20-57562906-G-A. GRCh37 (hg19) VCF-style: chr20-56137962-G-A.
Identifiers: ClinVar variation 743262 (VCV000743262.6), dbSNP rs756594188, ClinGen allele CA9922075.
Genomic context (GRCh38, chr20:57,562,906, plus strand): 5'-ATGGGGAGTTTGTCAAATGCCTCCATTCTGTGGGGTGCCCTCTGCCTTTACAAAGTAAGT[G>A]TATTATTTCAGAATCAAAAGTCAAAATAAAAAAGAAAGCTGAACGCAAACCCCAGTGAGT-3'